The following is an entry in ClinVar:

ClinVar aggregate classification (germline): Likely pathogenic (1 of 4 stars; one submission).

Conditions:
Episodic ataxia type 2 (EA2). Also called: ACETAZOLAMIDE-RESPONSIVE HEREDITARY PAROXYSMAL CEREBELLAR ATAXIA; ATAXIA, EPISODIC, WITH NYSTAGMUS; ATAXIA, FAMILIAL PAROXYSMAL; CEREBELLAR ATAXIA, PAROXYSMAL, ACETAZOLAMIDE-RESPONSIVE; CEREBELLOPATHY, HEREDITARY PAROXYSMAL; EPISODIC ATAXIA, NYSTAGMUS-ASSOCIATED. Identifiers: Orphanet 97, MedGen C1720416, MONDO:0007163, OMIM 108500.

Submission:

Genomics, Clalit Research Institute, Clalit Health Care
Classification: Likely pathogenic for Episodic ataxia type 2. Last evaluated: 2025-04-27. Review status: criteria provided, single submitter. Criteria: ACMG Guidelines, 2015. Collection method: clinical testing. Allele origin: germline. Inheritance: Autosomal dominant inheritance. Affected: yes. Observed: 1 heterozygote.
Comment: Frequency: The variant is absent from the gnomAD reference population dataset. Variant type: Null variant (acceptor site) in a gene where LOF is a known mechanism of disease. Exon skipping disrupts reading frame. Predicted to undergo NMD. Altered region is critical to protein function. Clinical evidence: To date, the variant has not been described by reputable sources or in the primary literature.

NM_001127222.2(CACNA1A):c.3990-1G>T

Gene: CACNA1A (calcium voltage-gated channel subunit alpha1 A; minus strand). Cytogenetic location: 19p13.13.
Variant type: single nucleotide variant.
Coding change: c.3990-1G>T on transcript NM_001127222.2 (MANE Select); the canonical splice acceptor site of the intron before coding-DNA position 3990, G replaced by T.
Molecular consequence: splice acceptor variant.
Genome position (GRCh38, 1-based): chr19:13,262,834, C>A on the plus strand (G>T on the coding strand, the complement: CACNA1A is on the minus strand). VCF-style: chr19-13262834-C-A. GRCh37 (hg19) VCF-style: chr19-13373648-C-A.
Other names: c.3993-1G>T (NM_001127221.2, NM_001174080.2); c.4002-1G>T (NM_000068.4, NM_023035.3).
Identifiers: ClinVar variation 3900609 (VCV003900609.1).